The following is an entry in ClinVar:

ClinVar aggregate classification (germline): Uncertain significance (1 of 4 stars; one submission).

Conditions:
Cardiovascular phenotype. Identifiers: MedGen CN230736.

gnomAD v4.1: 11 of 1,614,076 alleles (0.00068%); highest among the groups gnomAD compares: Middle Eastern, 0.033%; no homozygotes.

Submission:

Ambry Genetics
Classification: Uncertain significance for Cardiovascular phenotype. Last evaluated: 2022-04-01. Review status: criteria provided, single submitter. Criteria: Ambry Variant Classification Scheme 2023. Collection method: clinical testing. Allele origin: germline.
Comment: The p.N2894K variant (also known as c.8682C>G), located in coding exon 26 of the APOB gene, results from a C to G substitution at nucleotide position 8682. The asparagine at codon 2894 is replaced by lysine, an amino acid with similar properties. This amino acid position is conserved. In addition, this alteration is predicted to be tolerated by in silico analysis. Since supporting evidence is limited at this time, the clinical significance of this alteration remains unclear.

NM_000384.3(APOB):c.8682C>G (p.Asn2894Lys)

Gene: APOB (apolipoprotein B; minus strand). Cytogenetic location: 2p24.1.
Variant type: single nucleotide variant.
Coding change: c.8682C>G on transcript NM_000384.3 (MANE Select); coding-DNA position 8682, C replaced by G.
Protein change: p.Asn2894Lys; replaces asparagine 2894 with lysine.
Molecular consequence: missense variant.
Genome position (GRCh38, 1-based): chr2:21,008,186, G>C on the plus strand (C>G on the coding strand, the complement: APOB is on the minus strand). VCF-style: chr2-21008186-G-C. GRCh37 (hg19) VCF-style: chr2-21231058-G-C.
Other names: short protein forms N2894K.
Identifiers: ClinVar variation 1764291 (VCV001764291.2), dbSNP rs1463473856, ClinGen allele CA345993593.